The following is an entry in ClinVar:

ClinVar aggregate classification (germline): Conflicting classifications of pathogenicity. Review status: criteria provided, conflicting classifications (1 of 4 stars). 14 submissions from 13 submitters: Uncertain significance (11); Likely benign (1). 2 of the submissions do not count toward it. Last evaluated 2026-06-08.

Conditions:
Familial adenomatous polyposis 2. Also called: FAP type 2; Adenomas, multiple colorectal; MUTYH Polyposis; MYH-associated polyposis; MUTYH-associated polyposis; MUTYH-related attenuated familial adenomatous polyposis. Identifiers: Orphanet 220460, Orphanet 247798, MedGen C3272841, MONDO:0012041, OMIM 608456.
Gastric cancer. Also called: Stomach cancer; Malignant tumor of stomach. Identifiers: MedGen C0024623, MeSH D013274, MONDO:0001056, OMIM 613659, HP:0012126.
Hereditary cancer-predisposing syndrome. Also called: Tumor predisposition; Neoplastic Syndromes, Hereditary; Hereditary Cancer Syndrome; Hereditary neoplastic syndrome. Identifiers: Orphanet 140162, MedGen C0027672, MeSH D009386, MONDO:0015356.
Retinoblastoma (RB1). Also called: RETINOBLASTOMA, SOMATIC. Identifiers: Orphanet 790, MedGen C0035335, MeSH D012175, MONDO:0008380, OMIM 180200, HP:0009919. Disease mechanism: loss of function. Inheritance: Both sporadic and heritable forms are tested..
Carcinoma of colon (CRC). Also called: Colon carcinoma; Colonic carcinoma. Identifiers: MedGen C0699790, MONDO:0002032.

Allele frequency attached by ClinVar (database versions not stated): gnomAD 0.00004; TOPMed 0.00004; gnomAD exomes 0.00007; ESP Exome Variant Server 0.00008; ExAC 0.00009.
gnomAD v4.1: 109 of 1,614,016 alleles (0.0068%); highest among the groups gnomAD compares: Non-Finnish European, 0.0084%; no homozygotes.

Submissions 1 to 8 of 14:

Women's Health and Genetics/Laboratory Corporation of America, LabCorp
Classification: Uncertain significance. Last evaluated: 2026-06-08. Review status: criteria provided, single submitter. Criteria: LabCorp Variant Classification Summary - May 2015. Collection method: clinical testing. Allele origin: germline.
Comment: Variant summary: MUTYH c.1393C>G (p.Pro465Ala) results in a non-conservative amino acid change located in the MutY, C-terminal domain (IPR029119) of the encoded protein sequence. Algorithms developed to predict the effect of missense changes on protein structure and function are either unavailable or do not agree on the potential impact of this missense change. The variant allele was found at a frequency of 6.8e-05 in 251494 control chromosomes. This frequency is not significantly higher than estimated for disease-causing variants in MUTYH, allowing no conclusion about variant significance. c.1393C>G has been reported in the literature in individuals affected with colorectal cancer and/or polyposis, and breast cancer (Ziai_2016, Yurgelun_2017, Bhai_2021). In one of these reports this MUTYH variant was not the cause of disease as a different pathogenic variant, namely a 40 kb duplication upstream of the GREM1 gene segregated with the hereditary mixed polyposis syndrome (HMPS) phenotype (Ziai_2016). These report(s) do not provide unequivocal conclusions about association of the variant with MUTYH-associated Polyposis. To our knowledge, no experimental evidence demonstrating an impact on protein function has been reported. The following publications have been ascertained in the context of this evaluation (PMID: 34326862, 28135145, 26947005). ClinVar contains an entry for this variant (Variation ID: 141925). Based on the evidence outlined above, the variant was classified as uncertain significance.

Labcorp Genetics (formerly Invitae), Labcorp
Classification: Uncertain significance for Familial adenomatous polyposis 2. Last evaluated: 2026-01-20. Review status: criteria provided, single submitter. Criteria: Invitae Variant Classification Sherloc (09022015). Collection method: clinical testing. Allele origin: germline.
Comment: This sequence change replaces proline, which is neutral and non-polar, with alanine, which is neutral and non-polar, at codon 465 of the MUTYH protein (p.Pro465Ala). This variant is present in population databases (rs375597447, gnomAD 0.01%). This missense change has been observed in individual(s) with colorectal cancer (PMID: 28135145). This variant is also known as c.1351C>G (p.P451A). ClinVar contains an entry for this variant (Variation ID: 141925). An algorithm developed to predict the effect of missense changes on protein structure and function (PolyPhen-2) suggests that this variant is likely to be tolerated. In summary, the available evidence is currently insufficient to determine the role of this variant in disease. Therefore, it has been classified as a Variant of Uncertain Significance.

Ambry Genetics
Classification: Likely benign for Hereditary cancer-predisposing syndrome. Last evaluated: 2025-09-08. Review status: criteria provided, single submitter. Criteria: Ambry Variant Classification Scheme 2023. Collection method: clinical testing. Allele origin: germline.

Color Diagnostics, LLC DBA Color Health
Classification: Uncertain significance for Hereditary cancer-predisposing syndrome. Last evaluated: 2025-07-08. Review status: criteria provided, single submitter. Criteria: ACMG Guidelines, 2015. Collection method: clinical testing. Allele origin: germline.
Comment: This missense variant replaces proline with alanine at codon 465 of the MUTYH protein. This variant is also known as c.1351C>G (p.Pro451Ala) based on an alternative transcript (NM_001048171). Computational prediction suggests that this variant may not impact protein structure and function. To our knowledge, functional studies have not been reported for this variant. This variant has been reported in an individual affected with colorectal cancer (PMID: 28135145) and in a family affected with hereditary polyposis, where the disease segregated with a pathogenic duplication of the GREM1 gene enhancer region (PMID: 26947005). This variant has been identified in 19/282872 chromosomes in the general population by the Genome Aggregation Database (gnomAD). The available evidence is insufficient to determine the role of this variant in disease conclusively. Therefore, this variant is classified as a Variant of Uncertain Significance.

Center for Genomic Medicine, Rigshospitalet, Copenhagen University Hospital
Classification: Uncertain significance. Last evaluated: 2025-03-04. Review status: criteria provided, single submitter. Criteria: ACMG Guidelines, 2015. Collection method: clinical testing. Allele origin: germline.

GeneDx
Classification: Uncertain significance. Last evaluated: 2024-10-22. Review status: criteria provided, single submitter. Criteria: GeneDx Variant Classification Process June 2021. Collection method: clinical testing. Allele origin: germline. Affected: yes.
Comment: Reported in the heterozygous state in individuals with colorectal cancer or polyposis; however, a pathogenic duplication in SCG5/GREM1 was also identified in the polyposis case (PMID: 26947005, 28135145); In silico analysis indicates that this missense variant does not alter protein structure/function; Not observed at significant frequency in large population cohorts (gnomAD); Also known as p.(Pro451Ala); This variant is associated with the following publications: (PMID: 28135145, 26947005, 23108399, 34326862, 37937776)

All of Us Research Program, National Institutes of Health
Classification: Uncertain significance for Familial adenomatous polyposis 2. Last evaluated: 2024-09-27. Review status: criteria provided, single submitter. Criteria: ACMG Guidelines, 2015. Collection method: clinical testing. Allele origin: germline. Inheritance: Autosomal recessive inheritance. Observed: 17 variant alleles, 17 heterozygotes.
Comment: This missense variant replaces proline with alanine at codon 465 of the MUTYH protein. This variant is also known as c.1351C>G (p.Pro451Ala) based on an alternative transcript (NM_001048171). Computational prediction suggests that this variant may not impact protein structure and function (internally defined REVEL score threshold <= 0.5, PMID: 27666373). To our knowledge, functional studies have not been reported for this variant. This variant has been reported in an individual affected with colorectal cancer (PMID: 28135145) and in a family affected with hereditary polyposis, where the disease segregated with a pathogenic duplication of the GREM1 gene enhancer region (PMID: 26947005). This variant has been identified in 19/282872 chromosomes in the general population by the Genome Aggregation Database (gnomAD). The available evidence is insufficient to determine the role of this variant in disease conclusively. Therefore, this variant is classified as a Variant of Uncertain Significance.

This study involves interpretation of variants in research participants for the purpose of population health screening. Participant phenotype was not available at the time of variant classification. Additional details can be found in publication PMID: 35346344, PMCID: PMC8962531

Fulgent Genetics
Classification: Uncertain significance for Familial adenomatous polyposis 2; Gastric cancer. Last evaluated: 2024-01-22. Review status: criteria provided, single submitter. Criteria: ACMG Guidelines, 2015. Collection method: clinical testing. Allele origin: germline.

NM_001048174.2(MUTYH):c.1309C>G (p.Pro437Ala)

Gene: MUTYH (mutY DNA glycosylase; minus strand). Cytogenetic location: 1p34.1.
Variant type: single nucleotide variant.
Coding change: c.1309C>G on transcript NM_001048174.2 (MANE Select); coding-DNA position 1309, C replaced by G.
Protein change: p.Pro437Ala; replaces proline 437 with alanine.
Molecular consequence: missense variant. On other transcripts: non-coding transcript variant (2).
Genome position (GRCh38, 1-based): chr1:45,331,265, G>C on the plus strand (C>G on the coding strand, the complement: MUTYH is on the minus strand). VCF-style: chr1-45331265-G-C. GRCh37 (hg19) VCF-style: chr1-45796937-G-C.
Other names: c.1309C>G, p.Pro437Ala (NM_001048171.2, NM_001048173.2, NM_001293195.2); c.1312C>G, p.Pro438Ala (NM_001048172.2); c.1393C>G, p.Pro465Ala (NM_001128425.2); c.1354C>G, p.Pro452Ala (NM_001293190.2); c.1342C>G, p.Pro448Ala (NM_001293191.2); c.1033C>G, p.Pro345Ala (NM_001293192.2, NM_001293196.2); c.964C>G, p.Pro322Ala (NM_001350650.2, NM_001350651.2); c.1384C>G, p.Pro462Ala (NM_012222.3); short protein forms P465A, P451A, P345A, P437A, P438A, P322A, P452A, P448A.
Identifiers: ClinVar variation 141925 (VCV000141925.44), dbSNP rs375597447, ClinGen allele CA012659.
Genomic context (GRCh38, chr1:45,331,265, plus strand): 5'-CTGCGGTGTGAAATTCCTCCTGCGTCAGCCAGCGAGCACCTGGTGGTACGGTGGTCACTG[G>C]GGTCTGCCCTTCCAAGGCCAGCCCATATACTTGATATGTCAGCTTGATGTGAGAGAAGGT-3'
Protein context (NP_001041639.1, residues 427-447): VYGLALEGQT[Pro437Ala]VTTVPPGARW